The following is an entry in ClinVar:

ClinVar aggregate classification (germline): Uncertain significance (0 of 4 stars; one submission).

Conditions:
FGFR3-related disorder. Also called: FGFR3-related disorders.

Submission:

PreventionGenetics, part of Exact Sciences
Classification: Uncertain significance for FGFR3-related condition. Last evaluated: 2024-05-09. Review status: no assertion criteria provided. Collection method: clinical testing. Allele origin: germline.
Comment: The FGFR3 c.449C>T variant is predicted to result in the amino acid substitution p.Ala150Val. To our knowledge, this variant has not been reported in the literature or in a large population database, indicating this variant is rare. At this time, the clinical significance of this variant is uncertain due to the absence of conclusive functional and genetic evidence.

NM_000142.5(FGFR3):c.449C>T (p.Ala150Val)

Gene: FGFR3 (fibroblast growth factor receptor 3; plus strand). Cytogenetic location: 4p16.3.
Variant type: single nucleotide variant.
Coding change: c.449C>T on transcript NM_000142.5 (MANE Select); coding-DNA position 449, C replaced by T.
Protein change: p.Ala150Val; replaces alanine 150 with valine.
Molecular consequence: missense variant. On other transcripts: non-coding transcript variant (1).
Genome position (GRCh38, 1-based): chr4:1,801,370, C>T. VCF-style: chr4-1801370-C-T. GRCh37 (hg19) VCF-style: chr4-1803097-C-T.
Other names: c.449C>T, p.Ala150Val (NM_001163213.2, NM_001354809.2, NM_001354810.2 and 1 more transcripts); short protein forms A150V.
Identifiers: ClinVar variation 3344652 (VCV003344652.1).
Genomic context (GRCh38, chr4:1,801,370, plus strand): 5'-CAGAGGGGCCTCTGCTCCCACTCGGGTCATGGCCTTCACACGCACCTCGGCCCGCAGGGG[C>T]CCCTTACTGGACACGGCCCGAGCGGATGGACAAGAAGCTGCTGGCCGTGCCGGCCGCCAA-3'
Protein context (NP_000133.1, residues 140-160): EAEDTGVDTG[Ala150Val]PYWTRPERMD